The following is an entry in ClinVar:

ClinVar aggregate classification (germline): Pathogenic (1 of 4 stars; one submission).

Submission:

GeneDx
Classification: Pathogenic. Last evaluated: 2026-03-11. Review status: criteria provided, single submitter. Criteria: GeneDx Variant Classification Process June 2021. Collection method: clinical testing. Allele origin: germline.
Comment: Canonical splice site variant predicted to result in a null allele in a gene for which loss of function is a known mechanism of disease; Not observed at significant frequency in large population cohorts (gnomAD); Has not been previously published as pathogenic or benign to our knowledge

NM_003590.5(CUL3):c.2029+1G>A

Gene: CUL3 (cullin 3; minus strand). Cytogenetic location: 2q36.2.
Variant type: single nucleotide variant.
Coding change: c.2029+1G>A on transcript NM_003590.5 (MANE Select); the canonical splice donor site of the intron after coding-DNA position 2029, G replaced by A.
Molecular consequence: splice donor variant.
Genome position (GRCh38, 1-based): chr2:224,481,891, C>T on the plus strand (G>A on the coding strand, the complement: CUL3 is on the minus strand). VCF-style: chr2-224481891-C-T. GRCh37 (hg19) VCF-style: chr2-225346608-C-T.
Other names: c.1831+1G>A (NM_001257197.2); c.2047+1G>A (NM_001257198.2).
Identifiers: ClinVar variation 4891320 (VCV004891320.1).